The following is an entry in ClinVar:

ClinVar aggregate classification (germline): Uncertain significance (1 of 4 stars; one submission).

Conditions:
Inborn genetic diseases. Identifiers: MedGen C0950123, MeSH D030342.
Ocular cystinosis. Also called: Non-Nephropathic Cystinosis; Non-Nephropathic (Ocular) Cystinosis. Identifiers: Orphanet 213, Orphanet 411641, MedGen C2931013, MONDO:0009064, OMIM 219750.
Juvenile nephropathic cystinosis. Also called: Intermediate Cystinosis; CYSTINOSIS, LATE-ONSET JUVENILE OR ADOLESCENT NEPHROPATHIC TYPE; Later-Onset (Juvenile) Cystinosis. Identifiers: Orphanet 213, Orphanet 411634, MedGen C0268626, MONDO:0009066, OMIM 219900.

Submission:

Labcorp Genetics (formerly Invitae), Labcorp
Classification: Uncertain significance for Inborn genetic diseases; Ocular cystinosis; Juvenile nephropathic cystinosis. Last evaluated: 2025-03-31. Review status: criteria provided, single submitter. Criteria: Invitae Variant Classification Sherloc (09022015). Collection method: clinical testing. Allele origin: germline.
Comment: This sequence change replaces aspartic acid, which is acidic and polar, with glutamic acid, which is acidic and polar, at codon 324 of the CTNS protein (p.Asp324Glu). This variant is not present in population databases (gnomAD no frequency). This variant has not been reported in the literature in individuals affected with CTNS-related conditions. An algorithm developed to predict the effect of missense changes on protein structure and function outputs the following: PolyPhen-2: "Benign". The glutamic acid amino acid residue is found in multiple mammalian species, which suggests that this missense change does not adversely affect protein function. In summary, the available evidence is currently insufficient to determine the role of this variant in disease. Therefore, it has been classified as a Variant of Uncertain Significance.

NM_004937.3(CTNS):c.972C>G (p.Asp324Glu)

Gene: CTNS (cystinosin, lysosomal cystine transporter; plus strand). Cytogenetic location: 17p13.2.
Variant type: single nucleotide variant.
Coding change: c.972C>G on transcript NM_004937.3 (MANE Select); coding-DNA position 972, C replaced by G.
Protein change: p.Asp324Glu; replaces aspartic acid 324 with glutamic acid.
Molecular consequence: missense variant.
Genome position (GRCh38, 1-based): chr17:3,660,237, C>G. VCF-style: chr17-3660237-C-G. GRCh37 (hg19) VCF-style: chr17-3563531-C-G.
Other names: c.531C>G, p.Asp177Glu (NM_001374494.1, NM_001374495.1, NM_001374496.1 and 1 more transcripts); c.972C>G, p.Asp324Glu (NM_001031681.3, NM_001374492.1); short protein forms D324E, D177E.
Identifiers: ClinVar variation 4790766 (VCV004790766.1).